The following is an entry in ClinVar:

NM_007118.4(TRIO):c.5085G>C (p.Trp1695Cys)

Gene: TRIO (trio Rho guanine nucleotide exchange factor; plus strand). Cytogenetic location: 5p15.2.
Variant type: single nucleotide variant.
Coding change: c.5085G>C on transcript NM_007118.4 (MANE Select); coding-DNA position 5085, G replaced by C.
Protein change: p.Trp1695Cys; replaces tryptophan 1695 with cysteine.
Molecular consequence: missense variant. On other transcripts: non-coding transcript variant (1).
Genome position (GRCh38, 1-based): chr5:14,419,903, G>C. VCF-style: chr5-14419903-G-C. GRCh37 (hg19) VCF-style: chr5-14420012-G-C.
Other names: short protein forms W1695C.
Identifiers: ClinVar variation 3359992 (VCV003359992.1).

ClinVar aggregate classification (germline): Uncertain significance (1 of 4 stars; one submission).

Submission:

GeneDx
Classification: Uncertain significance. Last evaluated: 2023-06-16. Review status: criteria provided, single submitter. Criteria: GeneDx Variant Classification Process June 2021. Collection method: clinical testing. Allele origin: germline. Affected: yes.
Comment: Has not been previously published as pathogenic or benign to our knowledge; Not observed at significant frequency in large population cohorts (gnomAD); In silico analysis supports that this missense variant has a deleterious effect on protein structure/function